The following is an entry in ClinVar:

ClinVar aggregate classification (germline): Benign/Likely benign. Review status: criteria provided, multiple submitters, no conflicts (2 of 4 stars). 4 submissions from 4 submitters: Benign (1); Likely benign (2). 1 of the submissions does not count toward it. Last evaluated 2026-08-05.

Conditions:
Hereditary pheochromocytoma and paraganglioma. Also called: Hereditary paragangliomas and pheochromocytomas; Hereditary Paraganglioma-Pheochromocytoma Syndromes; Hereditary pheochromocytoma-paraganglioma. Identifiers: Orphanet 29072, MedGen C4274332, MONDO:0017366.
Pheochromocytoma/paraganglioma syndrome 2. Also called: SDHAF2-Related Hereditary Paraganglioma-Pheochromocytoma Syndrome (Paragangliomas 2); Paragangliomas 2; SDHAF2-Related Hereditary Paraganglioma-Pheochromocytoma Syndrome; GLOMUS TUMORS, FAMILIAL, 2. Identifiers: Orphanet 29072, MedGen C1866552, MONDO:0011121, OMIM 601650.
SDHAF2-related disorder. Also called: SDHAF2-related condition.
Hereditary cancer-predisposing syndrome. Also called: Tumor predisposition; Neoplastic Syndromes, Hereditary; Hereditary Cancer Syndrome; Hereditary neoplastic syndrome. Identifiers: Orphanet 140162, MedGen C0027672, MeSH D009386, MONDO:0015356.

Allele frequency attached by ClinVar (database versions not stated): gnomAD 0.00001; gnomAD exomes 0.00001 and below 0.00001; ExAC 0.00001; TOPMed 0.00001.

Submissions (4):

Myriad Genetics, Inc.
Classification: Benign for Pheochromocytoma/paraganglioma syndrome 2. Last evaluated: 2026-08-05. Review status: criteria provided, single submitter. Criteria: Myriad Autosomal Dominant, Autosomal Recessive and X-Linked Classification Criteria (2023). Collection method: clinical testing. Allele origin: unknown.
Comment: This variant is considered benign. This variant is a silent/synonymous amino acid change and it is not expected to impact splicing.

Labcorp Genetics (formerly Invitae), Labcorp
Classification: Likely benign for Hereditary pheochromocytoma and paraganglioma. Last evaluated: 2025-12-16. Review status: criteria provided, single submitter. Criteria: Invitae Variant Classification Sherloc (09022015). Collection method: clinical testing. Allele origin: germline.

Ambry Genetics
Classification: Likely benign for Hereditary cancer-predisposing syndrome. Last evaluated: 2016-07-11. Review status: criteria provided, single submitter. Criteria: Ambry Variant Classification Scheme 2023. Collection method: clinical testing. Allele origin: germline.

PreventionGenetics, part of Exact Sciences
Classification: Likely benign for SDHAF2-related condition. Last evaluated: 2023-08-24. Review status: no assertion criteria provided. Collection method: clinical testing. Allele origin: germline. Not counted in ClinVar's aggregate classification.
Comment: This variant is classified as likely benign based on ACMG/AMP sequence variant interpretation guidelines (Richards et al. 2015 PMID: 25741868, with internal and published modifications).

NM_017841.4(SDHAF2):c.414C>T (p.Ala138=)

Gene: SDHAF2 (succinate dehydrogenase complex assembly factor 2; plus strand). Cytogenetic location: 11q12.2.
Variant type: single nucleotide variant.
Coding change: c.414C>T on transcript NM_017841.4 (MANE Select); coding-DNA position 414, C replaced by T.
Protein change: p.Ala138=; no amino-acid change (alanine 138 retained).
Molecular consequence: synonymous variant.
Genome position (GRCh38, 1-based): chr11:61,445,984, C>T. VCF-style: chr11-61445984-C-T. GRCh37 (hg19) VCF-style: chr11-61213456-C-T.
Identifiers: ClinVar variation 486410 (VCV000486410.17), dbSNP rs766658781, ClinGen allele CA059274.